The following is an entry in ClinVar:

NM_001127511.3(APC):c.-5C>A

Gene: APC (APC regulator of Wnt signaling pathway; plus strand). Cytogenetic location: 5q22.2.
Variant type: single nucleotide variant.
Coding change: c.-5C>A on transcript NM_001127511.3; 5 bases upstream of the start codon, C replaced by A.
Molecular consequence: 5 prime UTR variant. On other transcripts: non-coding transcript variant (1), intron variant (5).
Genome position (GRCh38, 1-based): chr5:112,707,713, C>A. VCF-style: chr5-112707713-C-A. GRCh37 (hg19) VCF-style: chr5-112043410-C-A.
Other names: c.-188C>A (NM_001407469.1, NM_001354895.2, NM_001407447.1 and 3 more transcripts); c.-1223C>A (NM_001407470.1, NM_001407472.1); c.-19+64C>A (NM_001407448.1, NM_001407450.1, NM_001407457.1 and 1 more transcripts); c.-43+64C>A (NM_001407453.1); c.-5C>A (NM_001354897.2, NM_001354902.2, NM_001407446.1).
Identifiers: ClinVar variation 548797 (VCV000548797.8), dbSNP rs972010514, ClinGen allele CA658822489.

ClinVar aggregate classification (germline): Uncertain significance. Review status: criteria provided, single submitter (1 of 4 stars). 2 submissions from 2 submitters: Uncertain significance (1). 1 of the submissions does not count toward it. Last evaluated 2025-03-23.

Conditions:
Familial adenomatous polyposis 1 (FAP1). Also called: FAMILIAL ADENOMATOUS POLYPOSIS 1, ATTENUATED; POLYPOSIS, ADENOMATOUS INTESTINAL. Identifiers: MedGen C2713442, MONDO:0021056, OMIM 175100. Disease mechanism: loss of function.

Submissions (2):

Labcorp Genetics (formerly Invitae), Labcorp
Classification: Uncertain significance for Familial adenomatous polyposis 1. Last evaluated: 2025-03-23. Review status: criteria provided, single submitter. Criteria: Invitae Variant Classification Sherloc (09022015). Collection method: clinical testing. Allele origin: germline.
Comment: This variant occurs in a non-coding region of the APC gene. It does not change the encoded amino acid sequence of the APC protein. This variant is not present in population databases (gnomAD no frequency). This variant has not been reported in the literature in individuals affected with APC-related conditions. Experimental studies and prediction algorithms are not available or were not evaluated, and the functional significance of this variant is currently unknown. In summary, the available evidence is currently insufficient to determine the role of this variant in disease. Therefore, it has been classified as a Variant of Uncertain Significance.

Counsyl
Classification: Uncertain significance for Familial adenomatous polyposis 1. Last evaluated: 2017-10-09. Review status: no assertion criteria provided. Collection method: clinical testing. Allele origin: unknown. Not counted in ClinVar's aggregate classification.